The following is an entry in ClinVar:

NM_013382.7(POMT2):c.2147+1G>A

Gene: POMT2 (protein O-mannosyltransferase 2; minus strand). Cytogenetic location: 14q24.3.
Variant type: single nucleotide variant.
Coding change: c.2147+1G>A on transcript NM_013382.7 (MANE Select); the canonical splice donor site of the intron after coding-DNA position 2147, G replaced by A.
Molecular consequence: splice donor variant.
Genome position (GRCh38, 1-based): chr14:77,278,393, C>T on the plus strand (G>A on the coding strand, the complement: POMT2 is on the minus strand). VCF-style: chr14-77278393-C-T. GRCh37 (hg19) VCF-style: chr14-77744736-C-T.
Identifiers: ClinVar variation 2921970 (VCV002921970.3), dbSNP rs2503151447, ClinGen allele CA390513271.

ClinVar aggregate classification (germline): Pathogenic (1 of 4 stars; one submission).

Conditions:
Muscular dystrophy-dystroglycanopathy (congenital with impaired intellectual development), type B, 2. Also called: MUSCULAR DYSTROPHY, CONGENITAL, POMT2-RELATED; Muscular dystrophy-dystroglycanopathy (congenital with intellectual disability), type B2. Identifiers: MedGen C3150416, MONDO:0013160, OMIM 613156.
Muscular dystrophy-dystroglycanopathy (congenital with brain and eye anomalies), type A2. Also called: MUSCULAR DYSTROPHY-DYSTROGLYCANOPATHY (CONGENITAL WITH BRAIN AND EYE ANOMALIES), TYPE A, 2; WALKER-WARBURG SYNDROME OR MUSCLE-EYE-BRAIN DISEASE, POMT2-RELATED. Identifiers: Orphanet 588, Orphanet 899, MedGen C3150411, MONDO:0013154, OMIM 613150.
Autosomal recessive limb-girdle muscular dystrophy type 2N. Also called: MUSCULAR DYSTROPHY-DYSTROGLYCANOPATHY, LIMB-GIRDLE, POMT2-RELATED; Muscular dystrophy-dystroglycanopathy (limb-girdle), type C, 2. Identifiers: Orphanet 206559, MedGen C3150418, MONDO:0013162, OMIM 613158.

Submission:

Labcorp Genetics (formerly Invitae), Labcorp
Classification: Pathogenic for Muscular dystrophy-dystroglycanopathy (congenital with impaired intellectual development), type B, 2; Muscular dystrophy-dystroglycanopathy (congenital with brain and eye anomalies), type A2; Autosomal recessive limb-girdle muscular dystrophy type 2N. Last evaluated: 2024-01-05. Review status: criteria provided, single submitter. Criteria: Invitae Variant Classification Sherloc (09022015). Collection method: clinical testing. Allele origin: germline.
Comment: This sequence change affects a donor splice site in intron 20 of the POMT2 gene. While this variant is not anticipated to result in nonsense mediated decay, it likely alters RNA splicing and results in a disrupted protein product. This variant is not present in population databases (gnomAD no frequency). This variant has not been reported in the literature in individuals affected with POMT2-related conditions. Variants that disrupt the consensus splice site are a relatively common cause of aberrant splicing (PMID: 17576681, 9536098). Algorithms developed to predict the effect of sequence changes on RNA splicing suggest that this variant may disrupt the consensus splice site. This variant disrupts a region of the POMT2 protein in which other variant(s) (p.Phe720Serfs*23) have been determined to be pathogenic (PMID: 22323514). This suggests that this is a clinically significant region of the protein, and that variants that disrupt it are likely to be disease-causing. For these reasons, this variant has been classified as Pathogenic.

Literature cited by the submitters: PubMed 17576681; PubMed 9536098; PubMed 22323514.